The following is an entry in ClinVar:

ClinVar aggregate classification (germline): Uncertain significance (1 of 4 stars; one submission).

Conditions:
Cardiovascular phenotype. Identifiers: MedGen CN230736.
Hereditary cancer-predisposing syndrome. Also called: Neoplastic Syndromes, Hereditary; Tumor predisposition; Hereditary Cancer Syndrome; Hereditary neoplastic syndrome. Identifiers: Orphanet 140162, MedGen C0027672, MeSH D009386, MONDO:0015356.

Submission:

Ambry Genetics
Classification: Uncertain significance for Cardiovascular phenotype; Hereditary cancer-predisposing syndrome. Last evaluated: 2020-05-15. Review status: criteria provided, single submitter. Criteria: Ambry Variant Classification Scheme 2023. Collection method: clinical testing. Allele origin: germline.
Comment: The p.F2166V variant (also known as c.6496T>G), located in coding exon 42 of the NF1 gene, results from a T to G substitution at nucleotide position 6496. The phenylalanine at codon 2166 is replaced by valine, an amino acid with highly similar properties. This amino acid position is highly conserved in available vertebrate species. In addition, this alteration is predicted to be tolerated by in silico analysis. Since supporting evidence is limited at this time, the clinical significance of this alteration remains unclear.

NM_001042492.3(NF1):c.6559T>G (p.Phe2187Val)

Gene: NF1 (neurofibromin 1; plus strand). Cytogenetic location: 17q11.2.
Variant type: single nucleotide variant.
Coding change: c.6559T>G on transcript NM_001042492.3 (MANE Select); coding-DNA position 6559, T replaced by G.
Protein change: p.Phe2187Val; replaces phenylalanine 2187 with valine.
Molecular consequence: missense variant.
Genome position (GRCh38, 1-based): chr17:31,337,499, T>G. VCF-style: chr17-31337499-T-G. GRCh37 (hg19) VCF-style: chr17-29664517-T-G.
Other names: c.6496T>G, p.Phe2166Val (NM_000267.4); short protein forms F2166V, F2187V.
Identifiers: ClinVar variation 1753847 (VCV001753847.2), dbSNP rs1555534876, ClinGen allele CA399013278.